The following is an entry in ClinVar:

ClinVar aggregate classification (germline): Uncertain significance (1 of 4 stars; one submission).

Conditions:
Neuropathy, hereditary sensory and autonomic, type 2A (HSAN2A). Also called: MORVAN DISEASE; NEUROPATHY, CONGENITAL SENSORY; NEUROPATHY, HEREDITARY SENSORY RADICULAR, AUTOSOMAL RECESSIVE; NEUROPATHY, HEREDITARY SENSORY, TYPE IIA; NEUROPATHY, PROGRESSIVE SENSORY, OF CHILDREN; HSAN IIA. Identifiers: Orphanet 970, MedGen C2752089, MONDO:0024309, OMIM 201300.
Generalized epilepsy with febrile seizures plus, type 7 (GEFSP7). Also called: GEFS+, TYPE 7. Identifiers: Orphanet 36387, MedGen C2751778, MONDO:0013470, OMIM 613863.

Submission:

Labcorp Genetics (formerly Invitae), Labcorp
Classification: Uncertain significance for Neuropathy, hereditary sensory and autonomic, type 2A; Generalized epilepsy with febrile seizures plus, type 7. Last evaluated: 2022-08-22. Review status: criteria provided, single submitter. Criteria: Invitae Variant Classification Sherloc (09022015). Collection method: clinical testing. Allele origin: germline.
Comment: Algorithms developed to predict the effect of missense changes on protein structure and function are either unavailable or do not agree on the potential impact of this missense change (SIFT: "Deleterious"; PolyPhen-2: "Probably Damaging"; Align-GVGD: "Class C0"). This variant has not been reported in the literature in individuals affected with SCN9A-related conditions. This variant is not present in population databases (gnomAD no frequency). This sequence change replaces methionine, which is neutral and non-polar, with isoleucine, which is neutral and non-polar, at codon 1401 of the SCN9A protein (p.Met1401Ile). In summary, the available evidence is currently insufficient to determine the role of this variant in disease. Therefore, it has been classified as a Variant of Uncertain Significance.

NM_001365536.1(SCN9A):c.4236G>A (p.Met1412Ile)

Genes: SCN9A (sodium voltage-gated channel alpha subunit 9; minus strand), SCN1A-AS1 (SCN1A and SCN9A antisense RNA 1; plus strand). Cytogenetic location: 2q24.3.
Variant type: single nucleotide variant.
Coding change: c.4236G>A on transcript NM_001365536.1 (MANE Select); coding-DNA position 4236, G replaced by A.
Protein change: p.Met1412Ile; replaces methionine 1412 with isoleucine.
Molecular consequence: missense variant.
Genome position (GRCh38, 1-based): chr2:166,227,694, C>T on the plus strand (G>A on the coding strand, the complement: SCN9A is on the minus strand). VCF-style: chr2-166227694-C-T. GRCh37 (hg19) VCF-style: chr2-167084204-C-T.
Other names: c.4203G>A, p.Met1401Ile (NM_002977.4); short protein forms M1412I, M1401I.
Identifiers: ClinVar variation 2117679 (VCV002117679.4), dbSNP rs2468972291, ClinGen allele CA349062890.